The following is an entry in ClinVar:

ClinVar aggregate classification (germline): Conflicting classifications of pathogenicity. Review status: criteria provided, conflicting classifications (1 of 4 stars). 5 submissions from 5 submitters: Uncertain significance (2); Likely benign (3). Last evaluated 2024-11-19.

Conditions:
RASopathy. Also called: rasopathies; Noonan spectrum disorder. Identifiers: Orphanet 536391, MedGen C5555857, MONDO:0021060.

Allele frequency attached by ClinVar (database versions not stated): TOPMed 0.00001; gnomAD exomes 0.00002 and 0.00003; gnomAD 0.00004 and 0.00007; ExAC 0.00005; ESP Exome Variant Server 0.00008.

Submissions (5):

Blueprint Genetics
Classification: Likely benign. Last evaluated: 2024-11-19. Review status: criteria provided, single submitter. Criteria: ACMG Guidelines, 2015. Collection method: clinical testing. Allele origin: germline.

GeneDx
Classification: Uncertain significance. Last evaluated: 2024-10-02. Review status: criteria provided, single submitter. Criteria: GeneDx Variant Classification Process June 2021. Collection method: clinical testing. Allele origin: germline. Affected: yes.
Comment: Has not been previously published as pathogenic or benign to our knowledge; In silico analysis supports a deleterious effect on splicing

Labcorp Genetics (formerly Invitae), Labcorp
Classification: Likely benign for RASopathy. Last evaluated: 2024-04-18. Review status: criteria provided, single submitter. Criteria: Invitae Variant Classification Sherloc (09022015). Collection method: clinical testing. Allele origin: germline.

Women's Health and Genetics/Laboratory Corporation of America, LabCorp
Classification: Likely benign. Last evaluated: 2022-02-05. Review status: criteria provided, single submitter. Criteria: LabCorp Variant Classification Summary - May 2015. Collection method: clinical testing. Allele origin: germline.

Eurofins Ntd Llc (ga)
Classification: Uncertain significance. Last evaluated: 2014-12-19. Review status: criteria provided, single submitter. Criteria: EGL Classification Definitions 2015. Collection method: clinical testing. Allele origin: germline. Observed: 1 variant allele, 1 heterozygote.

NM_030662.4(MAP2K2):c.648C>T (p.Ser216=)

Gene: MAP2K2 (mitogen-activated protein kinase kinase 2; minus strand). Cytogenetic location: 19p13.3.
Variant type: single nucleotide variant.
Coding change: c.648C>T on transcript NM_030662.4 (MANE Select); coding-DNA position 648, C replaced by T.
Protein change: p.Ser216=; no amino-acid change (serine 216 retained).
Molecular consequence: synonymous variant.
Genome position (GRCh38, 1-based): chr19:4,101,076, G>A on the plus strand (C>T on the coding strand, the complement: MAP2K2 is on the minus strand). VCF-style: chr19-4101076-G-A. GRCh37 (hg19) VCF-style: chr19-4101074-G-A.
Identifiers: ClinVar variation 198269 (VCV000198269.14), dbSNP rs147276536, ClinGen allele CA246822.